The following is an entry in ClinVar:

NM_004171.4(SLC1A2):c.965T>C (p.Ile322Thr)

Gene: SLC1A2 (solute carrier family 1 member 2; minus strand). Cytogenetic location: 11p13.
Variant type: single nucleotide variant.
Coding change: c.965T>C on transcript NM_004171.4 (MANE Select); coding-DNA position 965, T replaced by C.
Protein change: p.Ile322Thr; replaces isoleucine 322 with threonine.
Molecular consequence: missense variant.
Genome position (GRCh38, 1-based): chr11:35,292,413, A>G on the plus strand (T>C on the coding strand, the complement: SLC1A2 is on the minus strand). VCF-style: chr11-35292413-A-G. GRCh37 (hg19) VCF-style: chr11-35313960-A-G.
Other names: c.938T>C, p.Ile313Thr (NM_001195728.3, NM_001252652.2); short protein forms I322T, I313T.
Identifiers: ClinVar variation 1989249 (VCV001989249.4), dbSNP rs2497773965, ClinGen allele CA380124917.

ClinVar aggregate classification (germline): Uncertain significance (1 of 4 stars; one submission).

Submission:

Labcorp Genetics (formerly Invitae), Labcorp
Classification: Uncertain significance. Last evaluated: 2025-08-04. Review status: criteria provided, single submitter. Criteria: Invitae Variant Classification Sherloc (09022015). Collection method: clinical testing. Allele origin: germline.
Comment: This sequence change replaces isoleucine, which is neutral and non-polar, with threonine, which is neutral and polar, at codon 322 of the SLC1A2 protein (p.Ile322Thr). This variant is not present in population databases (gnomAD no frequency). This variant has not been reported in the literature in individuals affected with SLC1A2-related conditions. ClinVar contains an entry for this variant (Variation ID: 1989249). Invitae Evidence Modeling of protein sequence and biophysical properties (such as structural, functional, and spatial information, amino acid conservation, physicochemical variation, residue mobility, and thermodynamic stability) indicates that this missense variant is not expected to disrupt SLC1A2 protein function with a negative predictive value of 80%. In summary, the available evidence is currently insufficient to determine the role of this variant in disease. Therefore, it has been classified as a Variant of Uncertain Significance.